The following is an entry in ClinVar:

ClinVar aggregate classification (germline): Uncertain significance (1 of 4 stars; one submission).

Submission:

Labcorp Genetics (formerly Invitae), Labcorp
Classification: Uncertain significance. Last evaluated: 2022-07-04. Review status: criteria provided, single submitter. Criteria: Invitae Variant Classification Sherloc (09022015). Collection method: clinical testing. Allele origin: germline.
Comment: In summary, the available evidence is currently insufficient to determine the role of this variant in disease. Therefore, it has been classified as a Variant of Uncertain Significance. Algorithms developed to predict the effect of missense changes on protein structure and function (SIFT, PolyPhen-2, Align-GVGD) all suggest that this variant is likely to be disruptive. This variant has not been reported in the literature in individuals affected with MAPKAPK3-related conditions. This variant is not present in population databases (gnomAD no frequency). This sequence change replaces threonine, which is neutral and polar, with isoleucine, which is neutral and non-polar, at codon 186 of the MAPKAPK3 protein (p.Thr186Ile).

NM_001243925.2(MAPKAPK3):c.557C>T (p.Thr186Ile)

Gene: MAPKAPK3 (MAPK activated protein kinase 3; plus strand). Cytogenetic location: 3p21.2.
Variant type: single nucleotide variant.
Coding change: c.557C>T on transcript NM_001243925.2 (MANE Select); coding-DNA position 557, C replaced by T.
Protein change: p.Thr186Ile; replaces threonine 186 with isoleucine.
Molecular consequence: missense variant.
Genome position (GRCh38, 1-based): chr3:50,644,461, C>T. VCF-style: chr3-50644461-C-T. GRCh37 (hg19) VCF-style: chr3-50681892-C-T.
Other names: c.557C>T, p.Thr186Ile (NM_001243926.2, NM_004635.5); short protein forms T186I.
Identifiers: ClinVar variation 2014151 (VCV002014151.4), dbSNP rs2471703772, ClinGen allele CA352930447.